The following is an entry in ClinVar:

ClinVar aggregate classification (germline): Uncertain significance (1 of 4 stars; one submission).

Conditions:
Hereditary spastic paraplegia 30. Identifiers: Orphanet 101010, MedGen C5235139, MONDO:0012476.
Neuropathy, hereditary sensory, type 2C. Also called: KIF1A-Related HSAN2 (HSAN2C); Hereditary sensory and autonomic neuropathy type IIC. Identifiers: Orphanet 970, MedGen C3280168, MONDO:0013634, OMIM 614213.
Intellectual disability, autosomal dominant 9 (NESCAVS). Also called: KIF1A-Related Neurodevelopmental Disorder; NESCAV SYNDROME. Identifiers: Orphanet 662367, MedGen C5393830, MONDO:0013656, OMIM 614255.

Allele frequency attached by ClinVar (database versions not stated): TOPMed below 0.00001; gnomAD 0.00001.
gnomAD v4.1: 1 of 1,611,722 alleles (0.000062%); highest among the groups gnomAD compares: Non-Finnish European, 0.000085%; no homozygotes.

Submission:

Labcorp Genetics (formerly Invitae), Labcorp
Classification: Uncertain significance for Hereditary spastic paraplegia 30; Neuropathy, hereditary sensory, type 2C; Intellectual disability, autosomal dominant 9. Last evaluated: 2022-10-12. Review status: criteria provided, single submitter. Criteria: Invitae Variant Classification Sherloc (09022015). Collection method: clinical testing. Allele origin: germline.
Comment: In summary, the available evidence is currently insufficient to determine the role of this variant in disease. Therefore, it has been classified as a Variant of Uncertain Significance. Advanced modeling of protein sequence and biophysical properties (such as structural, functional, and spatial information, amino acid conservation, physicochemical variation, residue mobility, and thermodynamic stability) performed at Invitae indicates that this missense variant is not expected to disrupt KIF1A protein function. ClinVar contains an entry for this variant (Variation ID: 1496661). This variant has not been reported in the literature in individuals affected with KIF1A-related conditions. This variant is not present in population databases (gnomAD no frequency). This sequence change replaces aspartic acid, which is acidic and polar, with glycine, which is neutral and non-polar, at codon 1663 of the KIF1A protein (p.Asp1663Gly).

NM_001244008.2(KIF1A):c.5291A>G (p.Asp1764Gly)

Gene: KIF1A (kinesin family member 1A; minus strand). Cytogenetic location: 2q37.3.
Variant type: single nucleotide variant.
Coding change: c.5291A>G on transcript NM_001244008.2 (MANE Select); coding-DNA position 5291, A replaced by G.
Protein change: p.Asp1764Gly; replaces aspartic acid 1764 with glycine.
Molecular consequence: missense variant.
Genome position (GRCh38, 1-based): chr2:240,718,092, T>C on the plus strand (A>G on the coding strand, the complement: KIF1A is on the minus strand). VCF-style: chr2-240718092-T-C. GRCh37 (hg19) VCF-style: chr2-241657509-T-C.
Other names: c.5015A>G, p.Asp1672Gly (NM_001320705.2, NM_001379649.1); c.5042A>G, p.Asp1681Gly (NM_001330289.2); c.5090A>G, p.Asp1697Gly (NM_001330290.2, NM_001379648.1); c.5366A>G, p.Asp1789Gly (NM_001379631.1); c.5267A>G, p.Asp1756Gly (NM_001379632.1); c.5264A>G, p.Asp1755Gly (NM_001379633.1, NM_001379645.1); c.5117A>G, p.Asp1706Gly (NM_001379634.1); c.5114A>G, p.Asp1705Gly (NM_001379635.1, NM_001379646.1); and 8 more; short protein forms D1688G, D1701G, D1680G, D1789G, D1663G, D1681G, D1671G, D1672G.
Identifiers: ClinVar variation 1496661 (VCV001496661.8), dbSNP rs1202293305, ClinGen allele CA351297442.
Genomic context (GRCh38, chr2:240,718,092, plus strand): 5'-CCCTGCAGGCGGCCCTACCGTATGGTCCCGGCCAGGAGGGGGTTGAAGGCGTACAGCCAG[T>C]CATGCATGTCCTTGTCGCTGGCGGCCTGCAGCAGGATGCCGCGGTGTTCCGTGCACACCG-3'
Protein context (NP_001230937.1, residues 1754-1774): LQAASDKDMH[Asp1764Gly]WLYAFNPLLA